The following is an entry in ClinVar:

ClinVar aggregate classification (germline): Uncertain significance (1 of 4 stars; one submission).

Conditions:
Cardiovascular phenotype. Identifiers: MedGen CN230736.

Allele frequency attached by ClinVar (database versions not stated): gnomAD exomes below 0.00001.

Submission:

Ambry Genetics
Classification: Uncertain significance for Cardiovascular phenotype. Last evaluated: 2021-07-01. Review status: criteria provided, single submitter. Criteria: Ambry Variant Classification Scheme 2023. Collection method: clinical testing. Allele origin: germline.
Comment: The p.P24T variant (also known as c.70C>A), located in coding exon 1 of the FOXE3 gene, results from a C to A substitution at nucleotide position 70. The proline at codon 24 is replaced by threonine, an amino acid with highly similar properties. This amino acid position is conserved. In addition, this alteration is predicted to be tolerated by in silico analysis. Since supporting evidence is limited at this time, the clinical significance of this alteration remains unclear.

NM_012186.3(FOXE3):c.70C>A (p.Pro24Thr)

Genes: FOXE3 (forkhead box E3; plus strand), LINC01389 (long intergenic non-protein coding RNA 1389; minus strand). Cytogenetic location: 1p33.
Variant type: single nucleotide variant.
Coding change: c.70C>A on transcript NM_012186.3 (MANE Select); coding-DNA position 70, C replaced by A.
Protein change: p.Pro24Thr; replaces proline 24 with threonine.
Molecular consequence: missense variant.
Genome position (GRCh38, 1-based): chr1:47,416,385, C>A. VCF-style: chr1-47416385-C-A. GRCh37 (hg19) VCF-style: chr1-47882057-C-A.
Other names: short protein forms P24T.
Identifiers: ClinVar variation 1757156 (VCV001757156.2), dbSNP rs2521314967, ClinGen allele CA340248976.